The following is an entry in ClinVar:

ClinVar aggregate classification (germline): Pathogenic (1 of 4 stars; one submission).

Conditions:
Syndromic microphthalmia type 5 (MCOPS5). Also called: RETINAL DYSTROPHY, EARLY-ONSET, WITH PITUITARY DYSFUNCTION; RETINAL DYSTROPHY, EARLY-ONSET, WITHOUT PITUITARY DYSFUNCTION. Identifiers: Orphanet 178364, MedGen C1864690, MONDO:0012413, OMIM 610125.

Submission:

3billion
Classification: Pathogenic for Syndromic microphthalmia type 5. Last evaluated: 2021-10-02. Review status: criteria provided, single submitter. Criteria: ACMG Guidelines, 2015. Collection method: clinical testing. Allele origin: germline. Affected: yes. Observed: 1 heterozygote.
Comment: Frameshift: predicted to result in a loss or disruption of normal protein function through nonsense-mediated decay (NMD) or protein truncation. Multiple pathogenic variants are reported downstream of the variant (PVS1_VS). The variant was observed as assumed (i.e. paternity and maternity not confirmed) de novoo (3billion dataset, PM6). It is not observed in the gnomAD v2.1.1 dataset (PM2). Patient's phenotype is considered compatible with Retinal dystrophy, early-onset, with or without pituitary dysfunction (3billion dataset, PP4). Therefore, this variant is classified as pathogenic according to the recommendation of ACMG/AMP guideline

NM_021728.4(OTX2):c.728dup (p.Ala244fs)

Gene: OTX2 (orthodenticle homeobox 2; minus strand). Cytogenetic location: 14q22.3.
Variant type: Duplication.
Coding change: c.728dup on transcript NM_021728.4 (MANE Select); coding-DNA position 728, one base duplicated (C; older notation c.728dupC).
Protein change: p.Ala244fs; shifts the reading frame from alanine 244.
Molecular consequence: frameshift variant. On other transcripts: non-coding transcript variant (2).
Genome position (GRCh38, 1-based): chr14:56,801,901, G duplicated on the plus strand (C on the coding strand, the reverse complement: OTX2 is on the minus strand); the first of 4 consecutive G bases (chr14:56,801,901-56,801,904); duplicating any one gives the same sequence. VCF-style (leftmost placement, unchanged base first): chr14-56801900-T-TG. GRCh37 (hg19) VCF-style: chr14-57268618-T-TG.
Other names: c.704dup, p.Ala236fs (NM_001270523.2, NM_001270524.2, NM_172337.3); c.728dup, p.Ala244fs (NM_001270525.2); short protein forms A236fs, A244fs.
Identifiers: ClinVar variation 1320211 (VCV001320211.1), dbSNP rs2139527991, ClinGen allele CA2573053921.